The following is an entry in ClinVar:

NM_001048174.2(MUTYH):c.396G>T (p.Gln132His)

Gene: MUTYH (mutY DNA glycosylase; minus strand). Cytogenetic location: 1p34.1.
Variant type: single nucleotide variant.
Coding change: c.396G>T on transcript NM_001048174.2 (MANE Select); coding-DNA position 396, G replaced by T.
Protein change: p.Gln132His; replaces glutamine 132 with histidine.
Molecular consequence: missense variant. On other transcripts: intron variant (4), non-coding transcript variant (6).
Genome position (GRCh38, 1-based): chr1:45,332,942, C>A on the plus strand (G>T on the coding strand, the complement: MUTYH is on the minus strand). VCF-style: chr1-45332942-C-A. GRCh37 (hg19) VCF-style: chr1-45798614-C-A.
Other names: c.480G>T, p.Gln160His (NM_001128425.2); c.441G>T, p.Gln147His (NM_001293190.2); c.429G>T, p.Gln143His (NM_001293191.2, NM_001407077.1); c.120G>T, p.Gln40His (NM_001293192.2, NM_001293196.2, NM_001407091.1); c.396G>T, p.Gln132His (NM_001048171.2, NM_001048173.2, NM_001407072.1 and 5 more transcripts); c.399G>T, p.Gln133His (NM_001048172.2, NM_001407071.1, NM_001407078.1 and 1 more transcripts); c.312G>T, p.Gln104His (NM_001407075.1); c.51G>T, p.Gln17His (NM_001407082.1, NM_001350650.2, NM_001350651.2); and 7 more; short protein forms Q157H, Q17H, Q40H, Q104H, Q132H, Q146H, Q133H, Q139H.
Identifiers: ClinVar variation 4113684 (VCV004113684.1).

ClinVar aggregate classification (germline): Uncertain significance (1 of 4 stars; one submission).

Conditions:
Hereditary cancer-predisposing syndrome. Also called: Hereditary neoplastic syndrome; Neoplastic Syndromes, Hereditary; Tumor predisposition; Hereditary Cancer Syndrome. Identifiers: Orphanet 140162, MedGen C0027672, MeSH D009386, MONDO:0015356.

Submission:

Ambry Genetics
Classification: Uncertain significance for Hereditary cancer-predisposing syndrome. Last evaluated: 2025-08-27. Review status: criteria provided, single submitter. Criteria: Ambry Variant Classification Scheme 2023. Collection method: clinical testing. Allele origin: germline.
Comment: The p.Q160H variant (also known as c.480G>T), located in coding exon 6 of the MUTYH gene, results from a G to T substitution at nucleotide position 480. The glutamine at codon 160 is replaced by histidine, an amino acid with highly similar properties. This amino acid position is conserved. In addition, the in silico prediction for this alteration is inconclusive. Based on the available evidence, the clinical significance of this variant remains unclear.